The following is an entry in ClinVar:

NM_001114748.2(TMEM240):c.367C>T (p.Arg123Cys)

Gene: TMEM240 (transmembrane protein 240; minus strand). Cytogenetic location: 1p36.33.
Variant type: single nucleotide variant.
Coding change: c.367C>T on transcript NM_001114748.2 (MANE Select); coding-DNA position 367, C replaced by T.
Protein change: p.Arg123Cys; replaces arginine 123 with cysteine.
Molecular consequence: missense variant.
Genome position (GRCh38, 1-based): chr1:1,535,595, G>A on the plus strand (C>T on the coding strand, the complement: TMEM240 is on the minus strand). VCF-style: chr1-1535595-G-A. GRCh37 (hg19) VCF-style: chr1-1470975-G-A.
Other names: short protein forms R123C.
Identifiers: ClinVar variation 2604891 (VCV002604891.3), dbSNP rs1055219640, ClinGen allele CA16796806.

ClinVar aggregate classification (germline): Uncertain significance. Review status: criteria provided, multiple submitters, no conflicts (2 of 4 stars). 2 submissions from 2 submitters: Uncertain significance (2). Last evaluated 2024-11-18.

Conditions:
Inborn genetic diseases. Identifiers: MedGen C0950123, MeSH D030342.
TMEM240-related disorder. Also called: TMEM240-related condition.

Allele frequency attached by ClinVar (database versions not stated): gnomAD 0.00001; TOPMed 0.00003.

Submissions (2):

PreventionGenetics, part of Exact Sciences
Classification: Uncertain significance for TMEM240-related condition. Last evaluated: 2024-11-18. Review status: criteria provided, single submitter. Criteria: ACMG Guidelines, 2015. Collection method: clinical testing. Allele origin: germline.
Comment: The TMEM240 c.367C>T variant is predicted to result in the amino acid substitution p.Arg123Cys. To our knowledge, this variant has not been reported in the literature. This variant is reported in 0.0041% of alleles in individuals of Latino descent in gnomAD. At this time, the clinical significance of this variant is uncertain due to the absence of conclusive functional and genetic evidence.

Ambry Genetics
Classification: Uncertain significance for Inborn genetic diseases. Last evaluated: 2023-06-21. Review status: criteria provided, single submitter. Criteria: Ambry Variant Classification Scheme 2023. Collection method: clinical testing. Allele origin: germline.